The following is an entry in ClinVar:

NM_001040108.2(MLH3):c.1141C>T (p.Arg381Cys)

Gene: MLH3 (mutL homolog 3; minus strand). Cytogenetic location: 14q24.3.
Variant type: single nucleotide variant.
Coding change: c.1141C>T on transcript NM_001040108.2 (MANE Select); coding-DNA position 1141, C replaced by T.
Protein change: p.Arg381Cys; replaces arginine 381 with cysteine.
Molecular consequence: missense variant.
Genome position (GRCh38, 1-based): chr14:75,048,515, G>A on the plus strand (C>T on the coding strand, the complement: MLH3 is on the minus strand). VCF-style: chr14-75048515-G-A. GRCh37 (hg19) VCF-style: chr14-75515218-G-A.
Other names: c.1141C>T, p.Arg381Cys (NM_014381.3); short protein forms R381C.
Identifiers: ClinVar variation 410891 (VCV000410891.13), dbSNP rs764089461, ClinGen allele CA7275920.
Genomic context (GRCh38, chr14:75,048,515, plus strand): 5'-AGGAATCTAAAATATTATTACATGCTTCCTGGAAATTGCTCCTCTCATCGGAAGTCACAC[G>A]CTTCTGAAGAGTAGCATCAAATAAACTAAAACCATTATCTTCACTAAATTCCTTAATATC-3'
Protein context (NP_001035197.1, residues 371-391): FSLFDATLQK[Arg381Cys]VTSDERSNFQ

ClinVar aggregate classification (germline): Uncertain significance. Review status: criteria provided, multiple submitters, no conflicts (2 of 4 stars). 2 submissions from 2 submitters: Uncertain significance (2). Last evaluated 2025-12-16.

Conditions:
Colorectal cancer, hereditary nonpolyposis, type 7. Identifiers: Orphanet 144, MedGen C1858380, MONDO:0013725, OMIM 614385.

Allele frequency attached by ClinVar (database versions not stated): gnomAD below 0.00001 and 0.00001; ExAC 0.00002; gnomAD exomes 0.00001 and 0.00002.

Submissions (2):

Ambry Genetics
Classification: Uncertain significance. Last evaluated: 2025-12-16. Review status: criteria provided, single submitter. Criteria: Ambry Variant Classification Scheme 2023. Collection method: clinical testing. Allele origin: germline.

Labcorp Genetics (formerly Invitae), Labcorp
Classification: Uncertain significance for Colorectal cancer, hereditary nonpolyposis, type 7. Last evaluated: 2024-04-15. Review status: criteria provided, single submitter. Criteria: Invitae Variant Classification Sherloc (09022015). Collection method: clinical testing. Allele origin: germline.
Comment: This sequence change replaces arginine, which is basic and polar, with cysteine, which is neutral and slightly polar, at codon 381 of the MLH3 protein (p.Arg381Cys). This variant is present in population databases (rs764089461, gnomAD 0.007%). This variant has not been reported in the literature in individuals affected with MLH3-related conditions. ClinVar contains an entry for this variant (Variation ID: 410891). An algorithm developed to predict the effect of missense changes on protein structure and function (PolyPhen-2) suggests that this variant is likely to be tolerated. In summary, the available evidence is currently insufficient to determine the role of this variant in disease. Therefore, it has been classified as a Variant of Uncertain Significance.